The following is an entry in ClinVar:

ClinVar aggregate classification (germline): Conflicting classifications of pathogenicity. Review status: criteria provided, conflicting classifications (1 of 4 stars). 7 submissions from 7 submitters: Uncertain significance (5); Likely benign (2). Last evaluated 2026-03-20.

Conditions:
Cardiomyopathy (CMYO). Also called: Cardiomyopathies. Identifiers: Orphanet 167848, MedGen C0878544, MONDO:0004994, HP:0001638. Inheritance: Various modes of inheritance.
Cardiovascular phenotype. Identifiers: MedGen CN230736.
Arrhythmogenic right ventricular dysplasia 5. Also called: Arrhythmogenic Right Ventricular Dysplasia/Cardiomyopathy 5; ARRHYTHMOGENIC RIGHT VENTRICULAR DYSPLASIA, FAMILIAL, 5. Identifiers: MedGen C1858379, MONDO:0011459, OMIM 604400.

Allele frequency attached by ClinVar (database versions not stated): gnomAD 0.00003 and 0.00004; ExAC 0.00005; gnomAD exomes 0.00006 and 0.00008; TOPMed 0.00007.
gnomAD v4.1: 114 of 1,613,642 alleles (0.0071%); highest among the groups gnomAD compares: African/African-American, 0.013%; no homozygotes.

Submissions (7):

Women's Health and Genetics/Laboratory Corporation of America, LabCorp
Classification: Likely benign. Last evaluated: 2026-03-20. Review status: criteria provided, single submitter. Criteria: LabCorp Variant Classification Summary - May 2015. Collection method: clinical testing. Allele origin: germline.

Labcorp Genetics (formerly Invitae), Labcorp
Classification: Uncertain significance for Arrhythmogenic right ventricular dysplasia 5. Last evaluated: 2026-01-28. Review status: criteria provided, single submitter. Criteria: Invitae Variant Classification Sherloc (09022015). Collection method: clinical testing. Allele origin: germline.
Comment: This sequence change replaces arginine, which is basic and polar, with cysteine, which is neutral and slightly polar, at codon 56 of the TMEM43 protein (p.Arg56Cys). This variant is present in population databases (rs201094625, gnomAD 0.02%). This variant has not been reported in the literature in individuals affected with TMEM43-related conditions. ClinVar contains an entry for this variant (Variation ID: 406895). Invitae Evidence Modeling of protein sequence and biophysical properties (such as structural, functional, and spatial information, amino acid conservation, physicochemical variation, residue mobility, and thermodynamic stability) indicates that this missense variant is not expected to disrupt TMEM43 protein function with a negative predictive value of 80%. In summary, the available evidence is currently insufficient to determine the role of this variant in disease. Therefore, it has been classified as a Variant of Uncertain Significance.

All of Us Research Program, National Institutes of Health
Classification: Uncertain significance for Arrhythmogenic right ventricular dysplasia 5. Last evaluated: 2024-09-23. Review status: criteria provided, single submitter. Criteria: ACMG Guidelines, 2015. Collection method: clinical testing. Allele origin: germline. Inheritance: Autosomal dominant inheritance. Observed: 11 variant alleles, 11 heterozygotes.
Comment: This missense variant replaces arginine with cysteine at codon 56 of the TMEM43 protein. Computational prediction suggests that this variant may not impact protein structure and function (internally defined REVEL score threshold <= 0.5, PMID: 27666373). To our knowledge, functional studies have not been reported for this variant. This variant has not been reported in individuals affected with TMEM43-related disorders in the literature. This variant has been identified in 17/282496 chromosomes in the general population by the Genome Aggregation Database (gnomAD). The available evidence is insufficient to determine the role of this variant in disease conclusively. Therefore, this variant is classified as a Variant of Uncertain Significance.

This study involves interpretation of variants in research participants for the purpose of population health screening. Participant phenotype was not available at the time of variant classification. Additional details can be found in publication PMID: 35346344, PMCID: PMC8962531

GeneDx
Classification: Uncertain significance. Last evaluated: 2024-07-02. Review status: criteria provided, single submitter. Criteria: GeneDx Variant Classification Process June 2021. Collection method: clinical testing. Allele origin: germline. Affected: yes.
Comment: Has not been previously published as pathogenic or benign to our knowledge; In silico analysis supports that this missense variant has a deleterious effect on protein structure/function

Color Diagnostics, LLC DBA Color Health
Classification: Uncertain significance for Cardiomyopathy. Last evaluated: 2024-03-06. Review status: criteria provided, single submitter. Criteria: ACMG Guidelines, 2015. Collection method: clinical testing. Allele origin: germline.
Comment: This missense variant replaces arginine with cysteine at codon 56 of the TMEM43 protein. Computational prediction suggests that this variant may not impact protein structure and function (internally defined REVEL score threshold <= 0.5, PMID: 27666373). To our knowledge, functional studies have not been reported for this variant. This variant has not been reported in individuals affected with TMEM43-related disorders in the literature. This variant has been identified in 17/282496 chromosomes in the general population by the Genome Aggregation Database (gnomAD). The available evidence is insufficient to determine the role of this variant in disease conclusively. Therefore, this variant is classified as a Variant of Uncertain Significance.

Ambry Genetics
Classification: Likely benign for Cardiovascular phenotype. Last evaluated: 2022-04-15. Review status: criteria provided, single submitter. Criteria: Ambry Variant Classification Scheme 2023. Collection method: clinical testing. Allele origin: germline.

Laboratory for Molecular Medicine, Mass General Brigham Personalized Medicine
Classification: Uncertain significance. Last evaluated: 2017-01-27. Review status: criteria provided, single submitter. Criteria: LMM Criteria. Collection method: clinical testing. Allele origin: germline. Observed: 1 variant allele.
Comment: The p.Arg56Cys variant in TMEM43 has not been previously reported in individuals with cardiomyopathy. This variant has been identified in 3/10364 African chromo somes by the Exome Aggregation Consortium (ExAC; dbSNP rs201094625). Computational prediction tools and conservation analysis do not provide strong support for or against an impact to the protein. In summary, the clinical significance of the p.Arg56Cys variant is uncertain.

NM_024334.3(TMEM43):c.166C>T (p.Arg56Cys)

Gene: TMEM43 (transmembrane protein 43; plus strand). Cytogenetic location: 3p25.1.
Variant type: single nucleotide variant.
Coding change: c.166C>T on transcript NM_024334.3 (MANE Select); coding-DNA position 166, C replaced by T.
Protein change: p.Arg56Cys; replaces arginine 56 with cysteine.
Molecular consequence: missense variant.
Genome position (GRCh38, 1-based): chr3:14,130,825, C>T. VCF-style: chr3-14130825-C-T. GRCh37 (hg19) VCF-style: chr3-14172325-C-T.
Other names: short protein forms R56C.
Identifiers: ClinVar variation 406895 (VCV000406895.28), dbSNP rs201094625, ClinGen allele CA052036.